The following is an entry in ClinVar:

ClinVar aggregate classification (germline): Uncertain significance. Review status: criteria provided, multiple submitters, no conflicts (2 of 4 stars). 3 submissions from 3 submitters: Uncertain significance (3). Last evaluated 2025-10-29.

Conditions:
Cardiovascular phenotype. Identifiers: MedGen CN230736.
Dilated cardiomyopathy 1J (CMD1J). Also called: CARDIOMYOPATHY, DILATED, WITH SENSORINEURAL HEARING LOSS, AUTOSOMAL DOMINANT. Identifiers: Orphanet 217622, MedGen C1854368, MONDO:0011541, OMIM 605362.

Allele frequency attached by ClinVar (database versions not stated): gnomAD exomes below 0.00001; TOPMed below 0.00001.
gnomAD v4.1: 1 of 1,613,716 alleles (0.000062%); highest among the groups gnomAD compares: East Asian, 0.0022%; no homozygotes.

Submissions (3):

Ambry Genetics
Classification: Uncertain significance for Cardiovascular phenotype. Last evaluated: 2025-10-29. Review status: criteria provided, single submitter. Criteria: Ambry Variant Classification Scheme 2023. Collection method: clinical testing. Allele origin: germline.
Comment: The c.26A>C (p.E9A) alteration is located in exon 2 (coding exon 1) of the EYA4 gene. This alteration results from a A to C substitution at nucleotide position 26, causing the glutamic acid (E) at amino acid position 9 to be replaced by an alanine (A). Based on data from gnomAD, the C allele has an overall frequency of <0.001% (1/251324) total alleles studied. The highest observed frequency was 0.005% (1/18384) of East Asian alleles. Based on insufficient or conflicting evidence, the clinical significance of this alteration remains unclear.

Labcorp Genetics (formerly Invitae), Labcorp
Classification: Uncertain significance for Dilated cardiomyopathy 1J. Last evaluated: 2025-04-17. Review status: criteria provided, single submitter. Criteria: Invitae Variant Classification Sherloc (09022015). Collection method: clinical testing. Allele origin: germline.
Comment: This sequence change replaces glutamic acid, which is acidic and polar, with alanine, which is neutral and non-polar, at codon 9 of the EYA4 protein (p.Glu9Ala). This variant is present in population databases (no rsID available, gnomAD 0.006%). This variant has not been reported in the literature in individuals affected with EYA4-related conditions. ClinVar contains an entry for this variant (Variation ID: 500135). An algorithm developed to predict the effect of missense changes on protein structure and function (PolyPhen-2) suggests that this variant is likely to be tolerated. In summary, the available evidence is currently insufficient to determine the role of this variant in disease. Therefore, it has been classified as a Variant of Uncertain Significance.

Eurofins Ntd Llc (ga)
Classification: Uncertain significance. Last evaluated: 2017-02-02. Review status: criteria provided, single submitter. Criteria: EGL Classification Definitions 2015. Collection method: clinical testing. Allele origin: germline. Observed: 1 variant allele, 1 heterozygote.

NM_004100.5(EYA4):c.26A>C (p.Glu9Ala)

Gene: EYA4 (EYA transcriptional coactivator and phosphatase 4; plus strand). Cytogenetic location: 6q23.2.
Variant type: single nucleotide variant.
Coding change: c.26A>C on transcript NM_004100.5 (MANE Select); coding-DNA position 26, A replaced by C.
Protein change: p.Glu9Ala; replaces glutamic acid 9 with alanine.
Molecular consequence: missense variant.
Genome position (GRCh38, 1-based): chr6:133,274,806, A>C. VCF-style: chr6-133274806-A-C. GRCh37 (hg19) VCF-style: chr6-133595944-A-C.
Other names: c.26A>C, p.Glu9Ala (NM_001301012.2, NM_001301013.2, NM_001370458.1 and 3 more transcripts); short protein forms E9A.
Identifiers: ClinVar variation 500135 (VCV000500135.15), dbSNP rs1191543342, ClinGen allele CA365837736.